The following is an entry in ClinVar:

NM_001004334.4(GPR179):c.1574G>A (p.Arg525Gln)

Gene: GPR179 (G protein-coupled receptor 179; minus strand). Cytogenetic location: 17q12.
Variant type: single nucleotide variant.
Coding change: c.1574G>A on transcript NM_001004334.4 (MANE Select); coding-DNA position 1574, G replaced by A.
Protein change: p.Arg525Gln; replaces arginine 525 with glutamine.
Molecular consequence: missense variant.
Genome position (GRCh38, 1-based): chr17:38,335,104, C>T on the plus strand (G>A on the coding strand, the complement: GPR179 is on the minus strand). VCF-style: chr17-38335104-C-T. GRCh37 (hg19) VCF-style: chr17-36490987-C-T.
Other names: short protein forms R525Q.
Identifiers: ClinVar variation 1373828 (VCV001373828.6), dbSNP rs950495522, ClinGen allele CA290108636.

ClinVar aggregate classification (germline): Uncertain significance (1 of 4 stars; one submission).

Allele frequency attached by ClinVar (database versions not stated): gnomAD exomes below 0.00001 and 0.00001; gnomAD 0.00001; TOPMed 0.00001.

Submission:

Labcorp Genetics (formerly Invitae), Labcorp
Classification: Uncertain significance. Last evaluated: 2022-03-24. Review status: criteria provided, single submitter. Criteria: Invitae Variant Classification Sherloc (09022015). Collection method: clinical testing. Allele origin: germline.
Comment: In summary, the available evidence is currently insufficient to determine the role of this variant in disease. Therefore, it has been classified as a Variant of Uncertain Significance. Algorithms developed to predict the effect of missense changes on protein structure and function output the following: SIFT: "Tolerated"; PolyPhen-2: "Benign"; Align-GVGD: "Class C0". The glutamine amino acid residue is found in multiple mammalian species, which suggests that this missense change does not adversely affect protein function. This variant has not been reported in the literature in individuals affected with GPR179-related conditions. This variant is present in population databases (no rsID available, gnomAD 0.003%). This sequence change replaces arginine, which is basic and polar, with glutamine, which is neutral and polar, at codon 525 of the GPR179 protein (p.Arg525Gln).